The following is an entry in ClinVar:

NM_178857.6(RP1L1):c.3237G>A (p.Val1079=)

Gene: RP1L1 (RP1 like 1). Cytogenetic location: 8p23.1.
Variant type: single nucleotide variant.
Coding change: c.3237G>A on transcript NM_178857.6 (MANE Select); coding-DNA position 3237, G replaced by A.
Protein change: p.Val1079=; no amino-acid change (valine 1079 retained).
Molecular consequence: synonymous variant.
Genome position (GRCh38, 1-based): chr8:10,610,861, C>T on the plus strand (G>A on the coding strand, the complement: RP1L1 is on the minus strand). VCF-style: chr8-10610861-C-T. GRCh37 (hg19) VCF-style: chr8-10468371-C-T.
Other names: c.3237G>A (NM_178857.5).
Identifiers: ClinVar variation 4899209 (VCV004899209.2).
Genomic context (GRCh38, chr8:10,610,861, plus strand): 5'-GCTGCTGGGCCGGCCCTGCTTGGAGCCCATCAGCGCCCTCATGATCTGCGTGGAGGCAGA[C>T]ACCCGGCCAGGAAGTGCCCGCAGGCTCACCCTGCAGCCTGCTGGGGCCTCTCTGTCTGCT-3'
Protein context (NP_849188.4, residues 1069-1089): RVSLRALPGR[Val1079=]SASTQIMRAL

ClinVar aggregate classification (germline): Likely benign. Review status: criteria provided, multiple submitters, no conflicts (2 of 4 stars). 2 submissions from 2 submitters: Likely benign (2). Last evaluated 2026-01-15.

Conditions:
RP1L1-related disorder. Also called: RP1L1-related condition.

gnomAD v4.1: 52 of 1,608,380 alleles (0.0032%); highest among the groups gnomAD compares: Admixed American, 0.067%; no homozygotes.

Submissions (2):

PreventionGenetics, part of Exact Sciences
Classification: Likely benign for RP1L1-related condition. Last evaluated: 2026-01-15. Review status: criteria provided, single submitter. Criteria: ACMG Guidelines, 2015. Collection method: clinical testing. Allele origin: germline.
Comment: This variant is classified as likely benign based on ACMG/AMP sequence variant interpretation guidelines (Richards et al. 2015 PMID: 25741868, with internal and published modifications).

Blueprint Genetics
Classification: Likely benign. Last evaluated: 2022-04-04. Review status: criteria provided, single submitter. Criteria: ACMG Guidelines, 2015. Collection method: clinical testing. Allele origin: germline.